The following is an entry in ClinVar:

ClinVar aggregate classification (germline): Likely benign. Review status: criteria provided, multiple submitters, no conflicts (2 of 4 stars). 2 submissions from 2 submitters: Likely benign (2). Last evaluated 2024-01-01.

Conditions:
Axenfeld-Rieger syndrome type 3 (RIEG3). Also called: AXENFELD-RIEGER ANOMALY WITH CARDIAC DEFECTS AND/OR SENSORINEURAL HEARING LOSS. Identifiers: Orphanet 782, MedGen C2678503, MONDO:0011233, OMIM 602482.

Allele frequency attached by ClinVar (database versions not stated): TOPMed 0.00001; gnomAD 0.00002; gnomAD exomes 0.00005.

Submissions (2):

CeGaT Center for Human Genetics Tuebingen
Classification: Likely benign. Last evaluated: 2024-01-01. Review status: criteria provided, single submitter. Criteria: CeGaT Center For Human Genetics Tuebingen Variant Classification Criteria Version 2. Collection method: clinical testing. Allele origin: germline. Affected: yes. Observed: 1 variant allele.
Comment: FOXC1: BP4, BP7

Labcorp Genetics (formerly Invitae), Labcorp
Classification: Likely benign for Axenfeld-Rieger syndrome type 3. Last evaluated: 2023-10-17. Review status: criteria provided, single submitter. Criteria: Invitae Variant Classification Sherloc (09022015). Collection method: clinical testing. Allele origin: germline.

NM_001453.3(FOXC1):c.786C>T (p.Ser262=)

Gene: FOXC1 (forkhead box C1; plus strand). Cytogenetic location: 6p25.3.
Variant type: single nucleotide variant.
Coding change: c.786C>T on transcript NM_001453.3 (MANE Select); coding-DNA position 786, C replaced by T.
Protein change: p.Ser262=; no amino-acid change (serine 262 retained).
Molecular consequence: synonymous variant.
Genome position (GRCh38, 1-based): chr6:1,611,231, C>T. VCF-style: chr6-1611231-C-T. GRCh37 (hg19) VCF-style: chr6-1611466-C-T.
Identifiers: ClinVar variation 754793 (VCV000754793.30), dbSNP rs1284573981, ClinGen allele CA448393707.